The following is an entry in ClinVar:

NM_000435.3(NOTCH3):c.1321C>T (p.Arg441Ter)

Gene: NOTCH3 (notch receptor 3; minus strand). Cytogenetic location: 19p13.12.
Variant type: single nucleotide variant.
Coding change: c.1321C>T on transcript NM_000435.3 (MANE Select); coding-DNA position 1321, C replaced by T.
Protein change: p.Arg441Ter; replaces arginine 441 with a stop codon.
Molecular consequence: nonsense.
Genome position (GRCh38, 1-based): chr19:15,189,046, G>A on the plus strand (C>T on the coding strand, the complement: NOTCH3 is on the minus strand). VCF-style: chr19-15189046-G-A. GRCh37 (hg19) VCF-style: chr19-15299857-G-A.
Other names: p.Arg441*; short protein forms R441*.
Identifiers: ClinVar variation 4542327 (VCV004542327.1).
Genomic context (GRCh38, chr19:15,189,046, plus strand): 5'-CACCTGCCATACAGATACAGGTGAACTGGCCTATGCGGTCGAGGCACGTGGCCTGGTTTC[G>A]GCAGGGCCCCGACAGACACTCGTTGACATCGGTCTCACAGCGAGGTCCAGTGTAGCCACG-3'

ClinVar aggregate classification (germline): Uncertain significance (1 of 4 stars; one submission).

Submission:

Mayo Clinic Laboratories, Mayo Clinic
Classification: Uncertain significance. Last evaluated: 2025-09-25. Review status: criteria provided, single submitter. Criteria: ACMG Guidelines, 2015. Collection method: clinical testing. Allele origin: germline. Observed: 1 variant allele.
Comment: PM2_supporting

Literature cited by the submitters: PubMed 24000151; PubMed 25260852; PubMed 25870235; PubMed 31915071; PubMed 33895122; PubMed 36380532; PubMed 36401683; PubMed 37479695; PubMed 38386425; PubMed 39191170.